The following is an entry in ClinVar:

ClinVar aggregate classification (germline): Uncertain significance. Review status: reviewed by expert panel (3 of 4 stars). 8 submissions from 8 submitters: Uncertain significance (1). 7 of the submissions do not count toward it. Last evaluated 2024-05-21.

Conditions:
Glycogen storage disease, type II (IOPD). Also called: Glucosidase acid-1,4-alpha deficiency; CARDIOMEGALIA GLYCOGENICA DIFFUSA; GLYCOGENOSIS, GENERALIZED, CARDIAC FORM; GSD II; POMPE DISEASE, INFANTILE-ONSET; GLYCOGEN STORAGE DISEASE II, INFANTILE-ONSET. Identifiers: Orphanet 365, MedGen C0017921, MONDO:0009290, OMIM 232300.
GAA-related disorder. Also called: GAA-related condition.

Allele frequency attached by ClinVar (database versions not stated): TOPMed 0.00005; gnomAD 0.00010.

Submissions (8):

ClinGen Lysosomal Storage Disorder Variant Curation Expert Panel
Classification: Uncertain significance for Glycogen storage disease, type II. Last evaluated: 2024-05-21. Review status: reviewed by expert panel. Criteria: clingen_lsd_acmg_specifications_v2-1. Collection method: curation. Allele origin: germline. Inheritance: Autosomal recessive inheritance.
Comment: The NM_000152.5:c.725C>A variant in GAA is a missense variant predicted to cause substitution of Ala by Glu at amino acid 242 (p.Ala242Glu). The highest population minor allele frequency in gnomAD v2.1.1 is 0.00028 (7/24910 alleles) in the African population, which is lower than the ClinGen Lysosomal Diseases VCEP’s threshold for PM2 (<0.001), meeting this criterion (PM2_Supporting). The computational predictor REVEL gives a score of 0.528 which is neither above nor below the thresholds predicting a damaging (>0.7) or benign (<0.5) impact on GAA function (neither PP3 nor BP4 is met). It has not been reported in the literature as causative for GAA-related disease, but has been observed in 9 asymptomatic newborn screening cases by a clinical testing laboratory cases. In those cases, the c.1630G>A (p.Val544Met) variant (ClinVar Variation ID; 450358), classified as a variant of uncertain significance by the ClinGen LD VCEP on June 6, 2024), was always present suggesting that the two variants are in cis. There is a ClinVar entry for this variant (Variation ID: 642648). In summary, this variant meets the criteria to be classified as Uncertain significance for Pompe disease based on the ACMG/AMP criteria applied, as specified by the ClinGen Lysosomal Diseases Variant Curation Expert panel (specifications Version 2.0): PM2_supporting. (Classification approved by the ClinGen Lysosomal Diseases Variant Curation Expert Panel on May 21, 2024).

Labcorp Genetics (formerly Invitae), Labcorp
Classification: Uncertain significance for Glycogen storage disease, type II. Last evaluated: 2025-01-31. Review status: criteria provided, single submitter. Criteria: Invitae Variant Classification Sherloc (09022015). Collection method: clinical testing. Allele origin: germline. Not counted in ClinVar's aggregate classification.
Comment: This sequence change replaces alanine, which is neutral and non-polar, with glutamic acid, which is acidic and polar, at codon 242 of the GAA protein (p.Ala242Glu). This variant is present in population databases (rs745861849, gnomAD 0.03%). This variant has not been reported in the literature in individuals affected with GAA-related conditions. ClinVar contains an entry for this variant (Variation ID: 642648). Invitae Evidence Modeling of protein sequence and biophysical properties (such as structural, functional, and spatial information, amino acid conservation, physicochemical variation, residue mobility, and thermodynamic stability) has been performed for this missense variant. However, the output from this modeling did not meet the statistical confidence thresholds required to predict the impact of this variant on GAA protein function. In summary, the available evidence is currently insufficient to determine the role of this variant in disease. Therefore, it has been classified as a Variant of Uncertain Significance.

Revvity Omics, Revvity
Classification: Uncertain significance. Last evaluated: 2024-08-05. Review status: criteria provided, single submitter. Criteria: ACMG Guidelines, 2015. Collection method: clinical testing. Allele origin: germline. Not counted in ClinVar's aggregate classification.

PreventionGenetics, part of Exact Sciences
Classification: Uncertain significance for GAA-related condition. Last evaluated: 2023-09-08. Review status: criteria provided, single submitter. Criteria: ACMG Guidelines, 2015. Collection method: clinical testing. Allele origin: germline. Not counted in ClinVar's aggregate classification.
Comment: The GAA c.725C>A variant is predicted to result in the amino acid substitution p.Ala242Glu. To our knowledge, this variant has not been reported in the literature. Two variants affecting the same amino acid residue (c.725C>T Ala242Val and c.726G>A Ala242Ala) have been reported in individuals with glycogen storage disease 2 (c.725C>T Ala242Val reported in Kroos et al 2008. PubMed ID: 18425781; c.726G>A Ala242Ala reported in Gragnaniello et al 2022. PubMed ID: 36310651). This variant is reported in 0.028% of alleles in individuals of African descent in gnomAD. At this time, the clinical significance of this variant is uncertain due to the absence of conclusive functional and genetic evidence.

Genome-Nilou Lab
Classification: Uncertain significance for Glycogen storage disease, type II. Last evaluated: 2021-09-05. Review status: criteria provided, single submitter. Criteria: ACMG Guidelines, 2015. Collection method: clinical testing. Allele origin: germline. Affected: no. Not counted in ClinVar's aggregate classification.

Fulgent Genetics
Classification: Uncertain significance for Glycogen storage disease, type II. Last evaluated: 2021-07-26. Review status: criteria provided, single submitter. Criteria: ACMG Guidelines, 2015. Collection method: clinical testing. Allele origin: unknown. Not counted in ClinVar's aggregate classification.

Mayo Clinic Laboratories, Mayo Clinic
Classification: Uncertain significance. Last evaluated: 2020-12-21. Review status: criteria provided, single submitter. Criteria: ACMG Guidelines, 2015. Collection method: clinical testing. Allele origin: germline. Observed: 1 variant allele. Not counted in ClinVar's aggregate classification.

Natera, Inc.
Classification: Uncertain significance for Glycogen storage disease type II. Last evaluated: 2020-09-16. Review status: no assertion criteria provided. Collection method: clinical testing. Allele origin: germline. Not counted in ClinVar's aggregate classification.

NM_000152.5(GAA):c.725C>A (p.Ala242Glu)

Gene: GAA (alpha glucosidase; plus strand). Cytogenetic location: 17q25.3.
Variant type: single nucleotide variant.
Coding change: c.725C>A on transcript NM_000152.5 (MANE Select); coding-DNA position 725, C replaced by A.
Protein change: p.Ala242Glu; replaces alanine 242 with glutamic acid.
Molecular consequence: missense variant.
Genome position (GRCh38, 1-based): chr17:80,107,589, C>A. VCF-style: chr17-80107589-C-A. GRCh37 (hg19) VCF-style: chr17-78081388-C-A.
Other names: NM_000152.5(GAA):c.725C>A; c.725C>A (LRG_673t1); c.725C>A, p.Ala242Glu (NM_001079803.3, NM_001079804.3); short protein forms A242E.
Identifiers: ClinVar variation 642648 (VCV000642648.21), dbSNP rs745861849, ClinGen allele CA8815003.